The following is an entry in ClinVar:

ClinVar aggregate classification (germline): Uncertain significance. Review status: criteria provided, multiple submitters, no conflicts (2 of 4 stars). 2 submissions from 2 submitters: Uncertain significance (2). Last evaluated 2025-02-17.

Conditions:
Hereditary pheochromocytoma and paraganglioma. Also called: Hereditary pheochromocytoma-paraganglioma; Hereditary Paraganglioma-Pheochromocytoma Syndromes; Hereditary paragangliomas and pheochromocytomas. Identifiers: Orphanet 29072, MedGen C4274332, MONDO:0017366.
Pheochromocytoma. Also called: MAX-Related Hereditary Paraganglioma-Pheochromocytoma Syndrome. Identifiers: Orphanet 29072, MedGen C0031511, MONDO:0008233, OMIM 171300, HP:0002666.
Carney-Stratakis syndrome. Also called: PARAGANGLIOMA AND GASTROINTESTINAL STROMAL TUMOR. Identifiers: Orphanet 97286, MedGen C1847319, MONDO:0011740, OMIM 606864.
Cowden syndrome 3 (CWS3). Identifiers: Orphanet 201, MedGen CN166604, MONDO:0014045.
Paragangliomas with sensorineural hearing loss. Identifiers: MedGen C1868633.

Submissions (2):

Labcorp Genetics (formerly Invitae), Labcorp
Classification: Uncertain significance for Carney-Stratakis syndrome; Paragangliomas with sensorineural hearing loss; Pheochromocytoma; Cowden syndrome 3. Last evaluated: 2025-02-17. Review status: criteria provided, single submitter. Criteria: Invitae Variant Classification Sherloc (09022015). Collection method: clinical testing. Allele origin: germline.
Comment: This sequence change creates a premature translational stop signal (p.Trp157*) in the SDHD gene. While this is not anticipated to result in nonsense mediated decay, it is expected to disrupt the last 3 amino acid(s) of the SDHD protein. This variant is not present in population databases (gnomAD no frequency). This variant has not been reported in the literature in individuals affected with SDHD-related conditions. ClinVar contains an entry for this variant (Variation ID: 3071977). Experimental studies and prediction algorithms are not available or were not evaluated, and the functional significance of this variant is currently unknown. In summary, the available evidence is currently insufficient to determine the role of this variant in disease. Therefore, it has been classified as a Variant of Uncertain Significance.

All of Us Research Program, National Institutes of Health
Classification: Uncertain significance for Hereditary pheochromocytoma and paraganglioma. Last evaluated: 2023-06-26. Review status: criteria provided, single submitter. Criteria: ACMG Guidelines, 2015. Collection method: clinical testing. Allele origin: germline. Inheritance: Autosomal dominant inheritance. Observed: 1 variant allele, 1 heterozygote.
Comment: This variant changes 1 nucleotide in exon 4 of the SDHD gene, creating a premature translation stop signal in the last coding exon. This variant is predicted to escape nonsense-mediated decay and be expressed as a truncated protein, losing the c-terminal 3 amino acids. To our knowledge functional studies have not been reported for this variant. To our knowledge, this variant has not been reported in individuals affected with SDHD-related disorders in the literature. This variant has not been identified in the general population by the Genome Aggregation Database (gnomAD). Loss of SDHD function is a known mechanism of disease. The available evidence is insufficient to determine the role of this variant in disease conclusively. Therefore, this variant is classified as a Variant of Uncertain Significance.

This study involves interpretation of variants in research participants for the purpose of population health screening. Participant phenotype was not available at the time of variant classification. Additional details can be found in publication PMID: 35346344, PMCID: PMC8962531

NM_003002.4(SDHD):c.470G>A (p.Trp157Ter)

Gene: SDHD (succinate dehydrogenase complex subunit D; plus strand). Cytogenetic location: 11q23.1.
Variant type: single nucleotide variant.
Coding change: c.470G>A on transcript NM_003002.4 (MANE Select); coding-DNA position 470, G replaced by A.
Protein change: p.Trp157Ter; replaces tryptophan 157 with a stop codon.
Molecular consequence: nonsense. On other transcripts: 3 prime UTR variant (2), non-coding transcript variant (1).
Genome position (GRCh38, 1-based): chr11:112,094,960, G>A. VCF-style: chr11-112094960-G-A. GRCh37 (hg19) VCF-style: chr11-111965684-G-A.
Other names: c.*67G>A (NM_001276503.2); c.353G>A, p.Trp118Ter (NM_001276504.2); c.*168G>A (NM_001276506.2); short protein forms W118*, W157*.
Identifiers: ClinVar variation 3071977 (VCV003071977.2), dbSNP rs2498917796, ClinGen allele CA382619574.